The following is an entry in ClinVar:

NM_000057.4(BLM):c.353T>A (p.Val118Asp)

Gene: BLM (BLM RecQ like helicase; plus strand). Cytogenetic location: 15q26.1.
Variant type: single nucleotide variant.
Coding change: c.353T>A on transcript NM_000057.4 (MANE Select); coding-DNA position 353, T replaced by A.
Protein change: p.Val118Asp; replaces valine 118 with aspartic acid.
Molecular consequence: missense variant. On other transcripts: 5 prime UTR variant (1).
Genome position (GRCh38, 1-based): chr15:90,749,621, T>A. VCF-style: chr15-90749621-T-A. GRCh37 (hg19) VCF-style: chr15-91292851-T-A.
Other names: c.353T>A, p.Val118Asp (NM_001287246.2, NM_001287247.2); c.-939T>A (NM_001287248.2); short protein forms V118D.
Identifiers: ClinVar variation 3730249 (VCV003730249.3).

ClinVar aggregate classification (germline): Uncertain significance. Review status: criteria provided, multiple submitters, no conflicts (2 of 4 stars). 2 submissions from 2 submitters: Uncertain significance (2). Last evaluated 2025-08-17.

Conditions:
Hereditary cancer-predisposing syndrome. Also called: Tumor predisposition; Hereditary Cancer Syndrome; Hereditary neoplastic syndrome; Neoplastic Syndromes, Hereditary. Identifiers: Orphanet 140162, MedGen C0027672, MeSH D009386, MONDO:0015356.
Bloom syndrome (BLM). Also called: Bloom-Torre-Machacek syndrome. Identifiers: Orphanet 125, MedGen C0005859, MONDO:0008876, OMIM 210900.

gnomAD v4.1: 1 of 1,614,152 alleles (0.000062%); highest among the groups gnomAD compares: Non-Finnish European, 0.000085%; no homozygotes.

Submissions (2):

Labcorp Genetics (formerly Invitae), Labcorp
Classification: Uncertain significance for Bloom syndrome. Last evaluated: 2025-08-17. Review status: criteria provided, single submitter. Criteria: Invitae Variant Classification Sherloc (09022015). Collection method: clinical testing. Allele origin: germline.
Comment: This sequence change replaces valine, which is neutral and non-polar, with aspartic acid, which is acidic and polar, at codon 118 of the BLM protein (p.Val118Asp). This variant is not present in population databases (gnomAD no frequency). This variant has not been reported in the literature in individuals affected with BLM-related conditions. ClinVar contains an entry for this variant (Variation ID: 3730249). An algorithm developed to predict the effect of missense changes on protein structure and function outputs the following: PolyPhen-2: "Benign". The aspartic acid amino acid residue is found in multiple mammalian species, which suggests that this missense change does not adversely affect protein function. In summary, the available evidence is currently insufficient to determine the role of this variant in disease. Therefore, it has been classified as a Variant of Uncertain Significance.

Ambry Genetics
Classification: Uncertain significance for Hereditary cancer-predisposing syndrome. Last evaluated: 2025-08-01. Review status: criteria provided, single submitter. Criteria: Ambry Variant Classification Scheme 2023. Collection method: clinical testing. Allele origin: germline.
Comment: The p.V118D variant (also known as c.353T>A), located in coding exon 2 of the BLM gene, results from a T to A substitution at nucleotide position 353. The valine at codon 118 is replaced by aspartic acid, an amino acid with highly dissimilar properties. This amino acid position is conserved. In addition, this alteration is predicted to be tolerated by in silico analysis. Based on the available evidence, the clinical significance of this variant remains unclear.